The following is an entry in ClinVar:

ClinVar aggregate classification (germline): Uncertain significance. Review status: criteria provided, multiple submitters, no conflicts (2 of 4 stars). 2 submissions from 2 submitters: Uncertain significance (2). Last evaluated 2025-08-07.

Conditions:
Inborn genetic diseases. Identifiers: MedGen C0950123, MeSH D030342.

Submissions (2):

Ambry Genetics
Classification: Uncertain significance for Inborn genetic diseases. Last evaluated: 2025-08-07. Review status: criteria provided, single submitter. Criteria: Ambry Variant Classification Scheme 2023. Collection method: clinical testing. Allele origin: germline.

GeneDx
Classification: Uncertain significance. Last evaluated: 2025-03-20. Review status: criteria provided, single submitter. Criteria: GeneDx Variant Classification Process June 2021. Collection method: clinical testing. Allele origin: germline. Affected: yes.
Comment: Not observed at significant frequency in large population cohorts (gnomAD); In silico analysis indicates that this missense variant does not alter protein structure/function; Has not been previously published as pathogenic or benign to our knowledge

NM_015355.4(SUZ12):c.427A>G (p.Lys143Glu)

Gene: SUZ12 (SUZ12 polycomb repressive complex 2 subunit; plus strand). Cytogenetic location: 17q11.2.
Variant type: single nucleotide variant.
Coding change: c.427A>G on transcript NM_015355.4 (MANE Select); coding-DNA position 427, A replaced by G.
Protein change: p.Lys143Glu; replaces lysine 143 with glutamic acid.
Molecular consequence: missense variant. On other transcripts: intron variant (1).
Genome position (GRCh38, 1-based): chr17:31,947,657, A>G. VCF-style: chr17-31947657-A-G. GRCh37 (hg19) VCF-style: chr17-30274676-A-G.
Other names: c.386+7171A>G (NM_001321207.2); short protein forms K143E.
Identifiers: ClinVar variation 4086349 (VCV004086349.2).